The following continues an entry in ClinVar:

NM_024675.4(PALB2):c.1748T>G (p.Leu583Trp)

Gene: PALB2. ClinVar aggregate classification (germline): Uncertain significance. Uncertain significance (1).

Submissions 11 to 16 of 16:

Women's Health and Genetics/Laboratory Corporation of America, LabCorp
Classification: Uncertain significance. Last evaluated: 2023-05-15. Review status: criteria provided, single submitter. Criteria: LabCorp Variant Classification Summary - May 2015. Collection method: clinical testing. Allele origin: germline. Not counted in ClinVar's aggregate classification.
Comment: Variant summary: PALB2 c.1748T>G (p.Leu583Trp) results in a non-conservative amino acid change in the encoded protein sequence. Three of five in-silico tools predict a damaging effect of the variant on protein function. The variant allele was found at a frequency of 2e-05 in 250554 control chromosomes. The available data on variant occurrences in the general population are insufficient to allow any conclusion about variant significance. c.1748T>G has been reported in the literature as a VUS in settings of multigene panel testing for early onset colorectal cancer in at-least one individual with rectal cancer (example, Zhunussova_2019), breast cancer (Dorling_2021) and in unaffected controls (example, Dorling_2021, Ramus_2015). These report(s) do not provide unequivocal conclusions about association of the variant with Prostate/PALB2-associated Cancers. To our knowledge, no experimental evidence demonstrating an impact on protein function has been reported. The following publications have been ascertained in the context of this evaluation (PMID: 26315354, 31428572). Ten clinical diagnostic laboratories have submitted clinical-significance assessments for this variant to ClinVar after 2014 without evidence for independent evaluation. All laboratories classified the variant as uncertain significance. Based on the evidence outlined above, the variant was classified as uncertain significance.

MGZ Medical Genetics Center
Classification: Uncertain significance for Familial cancer of breast. Last evaluated: 2022-06-13. Review status: criteria provided, single submitter. Criteria: ACMG Guidelines, 2015. Collection method: clinical testing. Allele origin: germline. Affected: yes. Observed: 1 variant allele. Not counted in ClinVar's aggregate classification.
Comment: ACMG criteria applied: PM2_SUP, BP4

GeneDx
Classification: Uncertain significance. Last evaluated: 2021-11-08. Review status: criteria provided, single submitter. Criteria: GeneDx Variant Classification Process June 2021. Collection method: clinical testing. Allele origin: germline. Affected: yes. Not counted in ClinVar's aggregate classification.
Comment: Not observed at significant frequency in large population cohorts (Lek et al., 2016); In silico analysis supports that this missense variant has a deleterious effect on protein structure/function; Has not been previously published as pathogenic or benign to our knowledge; This variant is associated with the following publications: (PMID: 26315354)

Sema4
Classification: Uncertain significance for Hereditary cancer-predisposing syndrome. Last evaluated: 2021-08-30. Review status: criteria provided, single submitter. Criteria: Sema4 Curation Guidelines. Collection method: curation. Allele origin: germline. Not counted in ClinVar's aggregate classification.
Comment: The PALB2 c.1748T>G (p.L583W) variant has been reported in heterozygosity in at least two individuals with breast cancer (PMID: 28779002, 33471991) and two individuals with ovarian cancer (PMID: 32546565). The variant was also observed in healthy controls in these studies (PMID: 33471991, 32546565). It was observed in 5/113086 chromosomes of the Non-Finnish European subpopulation in the large and broad cohorts of the Genome Aggregation Database (PMID: 32461654). The variant has been reported in ClinVar (Variation ID 141972). Functional studies have not been performed, and in silico predictions of the variant's effect on protein function are inconclusive. The evidence is insufficient to meet ACMG/AMP criteria for classifying the variant as benign or pathogenic. Thus, the clinical significance of this variant is currently uncertain.

Fulgent Genetics
Classification: Uncertain significance for Familial cancer of breast; Fanconi anemia complementation group N; Pancreatic cancer, susceptibility to, 3. Last evaluated: 2021-07-01. Review status: criteria provided, single submitter. Criteria: ACMG Guidelines, 2015. Collection method: clinical testing. Allele origin: unknown. Not counted in ClinVar's aggregate classification.

Mendelics
Classification: Uncertain significance for Familial cancer of breast. Last evaluated: 2019-05-28. Review status: criteria provided, single submitter. Criteria: Mendelics Assertion Criteria 2017. Collection method: clinical testing. Allele origin: unknown. Not counted in ClinVar's aggregate classification.

Literature cited by the submitters: PubMed 29522266 (cited by 5 submitters); PubMed 31428572 (cited by 4 submitters); PubMed 32546565 (cited by 4 submitters); PubMed 35402282 (cited by 4 submitters); PubMed 25085752 (cited by Myriad Genetics, Inc.); PubMed 26315354 (cited by 5 submitters); PubMed 33471991 (cited by 4 submitters); PubMed 28779002 (cited by 5 submitters).